The following is an entry in ClinVar:

NM_000540.3(RYR1):c.8067+13G>A

Gene: RYR1 (ryanodine receptor 1; plus strand). Cytogenetic location: 19q13.2.
Variant type: single nucleotide variant.
Coding change: c.8067+13G>A on transcript NM_000540.3 (MANE Select); 13 bases into the intron after coding-DNA position 8067, G replaced by A.
Molecular consequence: intron variant.
Genome position (GRCh38, 1-based): chr19:38,504,373, G>A. VCF-style: chr19-38504373-G-A. GRCh37 (hg19) VCF-style: chr19-38995013-G-A.
Other names: c.8067+13G>A (NM_001042723.2).
Identifiers: ClinVar variation 382894 (VCV000382894.4), dbSNP rs1057521480, ClinGen allele CA16607799.
Genomic context (GRCh38, chr19:38,504,373, plus strand): 5'-CTCACACGGAAACTCTTCTGGGGCATCTTTGACTCTCTGGCCCATAAGGTCTGGGCAGCA[G>A]GGAGCCCCAAAATGGCCTATGTGGAGGGTTTGGGGCCCAAAATTGGGGGTCCAGAGTGAA-3'

ClinVar aggregate classification (germline): Likely benign. Review status: criteria provided, multiple submitters, no conflicts (2 of 4 stars). 2 submissions from 2 submitters: Likely benign (2). Last evaluated 2023-10-08.

Conditions:
RYR1-related disorder. Also called: RYR1-related disorders; RYR1-related condition. Identifiers: MedGen CN239331.

Allele frequency attached by ClinVar (database versions not stated): gnomAD exomes 0.00001; TOPMed 0.00001.
gnomAD v4.1: 8 of 1,612,584 alleles (0.0005%); highest among the groups gnomAD compares: Non-Finnish European, 0.00068%; no homozygotes.

Submissions (2):

Labcorp Genetics (formerly Invitae), Labcorp
Classification: Likely benign for RYR1-related disorder. Last evaluated: 2023-10-08. Review status: criteria provided, single submitter. Criteria: Invitae Variant Classification Sherloc (09022015). Collection method: clinical testing. Allele origin: germline.

GeneDx
Classification: Likely benign. Last evaluated: 2016-01-25. Review status: criteria provided, single submitter. Criteria: GeneDx Variant Classification (06012015). Collection method: clinical testing. Allele origin: germline. Affected: yes.
Comment: This variant is considered likely benign or benign based on one or more of the following criteria: it is a conservative change, it occurs at a poorly conserved position in the protein, it is predicted to be benign by multiple in silico algorithms, and/or has population frequency not consistent with disease.